The following is an entry in ClinVar:

NM_182961.4(SYNE1):c.8593C>T (p.Arg2865Trp)

Genes: SYNE1 (spectrin repeat containing nuclear envelope protein 1; minus strand), LOC126859838 (CDK7 strongly-dependent group 2 enhancer GRCh37_chr6:152706655-152707854; plus strand). Cytogenetic location: 6q25.2.
Variant type: single nucleotide variant.
Coding change: c.8593C>T on transcript NM_182961.4 (MANE Select); coding-DNA position 8593, C replaced by T.
Protein change: p.Arg2865Trp; replaces arginine 2865 with tryptophan.
Molecular consequence: missense variant.
Genome position (GRCh38, 1-based): chr6:152,385,733, G>A on the plus strand (C>T on the coding strand, the complement: SYNE1 is on the minus strand). VCF-style: chr6-152385733-G-A. GRCh37 (hg19) VCF-style: chr6-152706868-G-A.
Other names: c.8614C>T, p.Arg2872Trp (NM_033071.5); c.8614C>T (NM_033071.3); short protein forms R2865W, R2872W.
Identifiers: ClinVar variation 593710 (VCV000593710.10), dbSNP rs757720748, ClinGen allele CA4057509.

ClinVar aggregate classification (germline): Uncertain significance. Review status: criteria provided, multiple submitters, no conflicts (2 of 4 stars). 3 submissions from 3 submitters: Uncertain significance (3). Last evaluated 2026-01-05.

Conditions:
Emery-Dreifuss muscular dystrophy 4, autosomal dominant (EDMD4). Also called: EMERY-DREIFUSS MUSCULAR DYSTROPHY 4 WITH VARIABLE FEATURES. Identifiers: Orphanet 261, MedGen C2751807, MONDO:0013071, OMIM 612998.
Autosomal recessive ataxia, Beauce type. Also called: SYNE1-Related Autosomal Recessive Cerebellar Ataxia; Spinocerebellar ataxia, autosomal recessive 8; ATAXIA, RECESSIVE, OF BEAUCE; SYNE1 Deficiency. Identifiers: Orphanet 88644, MedGen C1853116, MONDO:0012549, OMIM 610743.

Allele frequency attached by ClinVar (database versions not stated): gnomAD 0.00001 and 0.00002; TOPMed 0.00001; 1000 Genomes Project 30x 0.00016.
gnomAD v4.1: 64 of 1,613,954 alleles (0.004%); highest among the groups gnomAD compares: South Asian, 0.041%; no homozygotes.

Submissions (3):

Labcorp Genetics (formerly Invitae), Labcorp
Classification: Uncertain significance for Emery-Dreifuss muscular dystrophy 4, autosomal dominant; Autosomal recessive ataxia, Beauce type. Last evaluated: 2026-01-05. Review status: criteria provided, single submitter. Criteria: Invitae Variant Classification Sherloc (09022015). Collection method: clinical testing. Allele origin: germline.
Comment: This sequence change replaces arginine, which is basic and polar, with tryptophan, which is neutral and slightly polar, at codon 2872 of the SYNE1 protein (p.Arg2872Trp). This variant is present in population databases (rs757720748, gnomAD 0.04%). This variant has not been reported in the literature in individuals affected with SYNE1-related conditions. ClinVar contains an entry for this variant (Variation ID: 593710). An algorithm developed to predict the effect of missense changes on protein structure and function (PolyPhen-2) suggests that this variant is likely to be disruptive. In summary, the available evidence is currently insufficient to determine the role of this variant in disease. Therefore, it has been classified as a Variant of Uncertain Significance.

Revvity Omics, Revvity
Classification: Uncertain significance. Last evaluated: 2023-12-29. Review status: criteria provided, single submitter. Criteria: ACMG Guidelines, 2015. Collection method: clinical testing. Allele origin: germline.

Eurofins Ntd Llc (ga)
Classification: Uncertain significance. Last evaluated: 2017-08-22. Review status: criteria provided, single submitter. Criteria: EGL Classification Definitions 2015. Collection method: clinical testing. Allele origin: germline. Observed: 1 variant allele, 1 heterozygote.